The following is an entry in ClinVar:

NM_170606.3(KMT2C):c.11632A>G (p.Met3878Val)

Gene: KMT2C (lysine methyltransferase 2C; minus strand). Cytogenetic location: 7q36.1.
Variant type: single nucleotide variant.
Coding change: c.11632A>G on transcript NM_170606.3 (MANE Select); coding-DNA position 11632, A replaced by G.
Protein change: p.Met3878Val; replaces methionine 3878 with valine.
Molecular consequence: missense variant.
Genome position (GRCh38, 1-based): chr7:152,158,901, T>C on the plus strand (A>G on the coding strand, the complement: KMT2C is on the minus strand). VCF-style: chr7-152158901-T-C. GRCh37 (hg19) VCF-style: chr7-151855986-T-C.
Other names: short protein forms M3878V.
Identifiers: ClinVar variation 3289161 (VCV003289161.2).

ClinVar aggregate classification (germline): Conflicting classifications of pathogenicity. Review status: criteria provided, conflicting classifications (1 of 4 stars). 2 submissions from 2 submitters: Uncertain significance (1); Likely benign (1). Last evaluated 2026-01-21.

Conditions:
Inborn genetic diseases. Identifiers: MedGen C0950123, MeSH D030342.

gnomAD v4.1: 7 of 1,614,060 alleles (0.00043%); highest among the groups gnomAD compares: African/African-American, 0.0053%; no homozygotes.

Submissions (2):

Women's Health and Genetics/Laboratory Corporation of America, LabCorp
Classification: Uncertain significance. Last evaluated: 2026-01-21. Review status: criteria provided, single submitter. Criteria: LabCorp Variant Classification Summary - May 2015. Collection method: clinical testing. Allele origin: germline.
Comment: Variant summary: KMT2C c.11632A>G (p.Met3878Val) results in a conservative amino acid change in the encoded protein sequence. Algorithms developed to predict the effect of missense changes on protein structure and function all suggest that this variant is likely to be tolerated. The variant allele was found at a frequency of 2e-05 in 251436 control chromosomes. The available data on variant occurrences in the general population are insufficient to allow any conclusion about variant significance. To our knowledge, no occurrence of c.11632A>G in individuals affected with KMT2C-related conditions and no experimental evidence demonstrating its impact on protein function have been reported. ClinVar contains an entry for this variant (Variation ID: 3289161). Based on the evidence outlined above, the variant was classified as uncertain significance.

Ambry Genetics
Classification: Likely benign for Inborn genetic diseases. Last evaluated: 2024-06-22. Review status: criteria provided, single submitter. Criteria: Ambry Variant Classification Scheme 2023. Collection method: clinical testing. Allele origin: germline.